The following is an entry in ClinVar:

NM_001378454.1(ALMS1):c.9602T>A (p.Val3201Asp)

Gene: ALMS1 (ALMS1 centrosome and basal body associated protein; plus strand). Cytogenetic location: 2p13.1.
Variant type: single nucleotide variant.
Coding change: c.9602T>A on transcript NM_001378454.1 (MANE Select); coding-DNA position 9602, T replaced by A.
Protein change: p.Val3201Asp; replaces valine 3201 with aspartic acid.
Molecular consequence: missense variant.
Genome position (GRCh38, 1-based): chr2:73,519,837, T>A. VCF-style: chr2-73519837-T-A. GRCh37 (hg19) VCF-style: chr2-73746964-T-A.
Other names: c.9605T>A, p.Val3202Asp (NM_015120.4); short protein forms V3201D, V3202D.
Identifiers: ClinVar variation 3390580 (VCV003390580.2).

ClinVar aggregate classification (germline): Uncertain significance. Review status: criteria provided, multiple submitters, no conflicts (2 of 4 stars). 2 submissions from 2 submitters: Uncertain significance (2). Last evaluated 2025-07-11.

Conditions:
Cardiovascular phenotype. Identifiers: MedGen CN230736.

gnomAD v4.1: 6 of 1,614,022 alleles (0.00037%); highest among the groups gnomAD compares: Non-Finnish European, 0.00051%; no homozygotes.

Submissions (2):

Ambry Genetics
Classification: Uncertain significance for Cardiovascular phenotype. Last evaluated: 2025-07-11. Review status: criteria provided, single submitter. Criteria: Ambry Variant Classification Scheme 2023. Collection method: clinical testing. Allele origin: germline.
Comment: The p.V3202D variant (also known as c.9605T>A), located in coding exon 11 of the ALMS1 gene, results from a T to A substitution at nucleotide position 9605. The valine at codon 3202 is replaced by aspartic acid, an amino acid with highly dissimilar properties. This amino acid position is well conserved in available vertebrate species. In addition, the in silico prediction for this alteration is inconclusive. Based on the available evidence, the clinical significance of this variant remains unclear.

GeneDx
Classification: Uncertain significance. Last evaluated: 2024-06-11. Review status: criteria provided, single submitter. Criteria: GeneDx Variant Classification Process June 2021. Collection method: clinical testing. Allele origin: germline. Affected: yes.
Comment: Not observed at significant frequency in large population cohorts (gnomAD); In silico analysis supports that this missense variant has a deleterious effect on protein structure/function; Has not been previously published as pathogenic or benign to our knowledge